The following is an entry in ClinVar:

NM_000132.4(F8):c.6825T>A (p.Tyr2275Ter)

Gene: F8 (coagulation factor VIII; minus strand). Cytogenetic location: Xq28.
Variant type: single nucleotide variant.
Coding change: c.6825T>A on transcript NM_000132.4 (MANE Select); coding-DNA position 6825, T replaced by A.
Protein change: p.Tyr2275Ter; replaces tyrosine 2275 with a stop codon.
Molecular consequence: nonsense.
Genome position (GRCh38, 1-based): chrX:154,860,507, A>T on the plus strand (T>A on the coding strand, the complement: F8 is on the minus strand). VCF-style: chrX-154860507-A-T. GRCh37 (hg19) VCF-style: chrX-154088782-A-T.
Other names: c.420T>A, p.Tyr140Ter (NM_019863.3); short protein forms Y2275*, Y140*.
Identifiers: ClinVar variation 2920855 (VCV002920855.1), dbSNP rs2523837290, ClinGen allele CA414903745.

ClinVar aggregate classification (germline): Pathogenic (1 of 4 stars; one submission).

Submission:

ARUP Laboratories, Molecular Genetics and Genomics, ARUP Laboratories
Classification: Pathogenic. Last evaluated: 2023-01-20. Review status: criteria provided, single submitter. Criteria: ARUP Molecular Germline Variant Investigation Process 2024. Collection method: clinical testing. Allele origin: germline.
Comment: The F8 c.6825T>A; p.Tyr2275Ter variant is reported in the literature in an individual affected with severe hemophilia A (Rossetti 2007). This variant is absent from the Genome Aggregation Database, indicating it is not a common polymorphism. This variant induces an early termination codon and is predicted to result in a truncated protein or mRNA subject to nonsense-mediated decay. Based on available information, this variant is considered to be pathogenic. References: Rossetti LC et al. Sixteen novel hemophilia A causative mutations in the first Argentinian series of severe molecular defects. Haematologica. 2007 Jun;92(6):842-5. PMID: 17550859.